The following is an entry in ClinVar:

NM_000228.3(LAMB3):c.3124C>T (p.Arg1042Trp)

Gene: LAMB3 (laminin subunit beta 3; minus strand). Cytogenetic location: 1q32.2.
Variant type: single nucleotide variant.
Coding change: c.3124C>T on transcript NM_000228.3 (MANE Select); coding-DNA position 3124, C replaced by T.
Protein change: p.Arg1042Trp; replaces arginine 1042 with tryptophan.
Molecular consequence: missense variant.
Genome position (GRCh38, 1-based): chr1:209,617,514, G>A on the plus strand (C>T on the coding strand, the complement: LAMB3 is on the minus strand). VCF-style: chr1-209617514-G-A. GRCh37 (hg19) VCF-style: chr1-209790859-G-A.
Other names: c.3124C>T, p.Arg1042Trp (NM_001017402.2, NM_001127641.1); short protein forms R1042W.
Identifiers: ClinVar variation 295070 (VCV000295070.19), dbSNP rs114040223, ClinGen allele CA1374973.

ClinVar aggregate classification (germline): Likely benign. Review status: criteria provided, multiple submitters, no conflicts (2 of 4 stars). 5 submissions from 5 submitters: Likely benign (4). 1 of the submissions does not count toward it. Last evaluated 2026-01-24.

Conditions:
LAMB3-related disorder. Also called: LAMB3-related condition.
Amelogenesis imperfecta type 1A. Also called: Amelogenesis imperfecta local hypoplastic; Amelogenesis imperfecta, hypoplastic type; Amelogenesis imperfecta, type IA; AMELOGENESIS IMPERFECTA, HYPOPLASTIC TYPE IA. Identifiers: Orphanet 88661, MedGen C4011403, MONDO:0007094, OMIM 104530.
Junctional epidermolysis bullosa gravis of Herlitz. Also called: EPIDERMOLYSIS BULLOSA JUNCTIONALIS, HERLITZ TYPE; EPIDERMOLYSIS BULLOSA, JUNCTIONAL, HERLITZ-PEARSON TYPE; JEB-HERLITZ TYPE; Epidermolysis Bullosa Letalis; Herlitz-type junctional epidermolysis bullosa; EPIDERMOLYSIS BULLOSA, JUNCTIONAL 1B, SEVERE. Identifiers: Orphanet 79404, MedGen C0079683, MONDO:0009182, OMIM 226700.
Junctional epidermolysis bullosa, non-Herlitz type. Also called: EPIDERMOLYSIS BULLOSA JUNCTIONALIS, DISENTIS TYPE; EPIDERMOLYSIS BULLOSA JUNCTIONALIS, NON-HERLITZ TYPE; EPIDERMOLYSIS BULLOSA JUNCTIONALIS, PROGRESSIVE; EPIDERMOLYSIS BULLOSA JUNCTIONALIS, SEVERE NONLETHAL; Adult junctional epidermolysis bullosa; Epidermolysis bullosa, junctional, non-herlitz type, somatic mosaic revertant. Identifiers: Orphanet 251393, Orphanet 79402, Orphanet 79405, Orphanet 89840, MedGen C0268374, MONDO:0009180, OMIM 226650.
Junctional epidermolysis bullosa. Identifiers: Orphanet 305, MedGen C0079301, MONDO:0017612.

Allele frequency attached by ClinVar (database versions not stated): ESP Exome Variant Server 0.00108; gnomAD 0.00132 and 0.00134; TOPMed 0.00140; 1000 Genomes Project 30x 0.00250; 1000 Genomes Project 0.00260.
gnomAD v4.1: 840 of 1,614,054 alleles (0.052%); highest among the groups gnomAD compares: African/African-American, 0.39%; 2 homozygotes.

Submissions (5):

Labcorp Genetics (formerly Invitae), Labcorp
Classification: Likely benign. Last evaluated: 2026-01-24. Review status: criteria provided, single submitter. Criteria: Invitae Variant Classification Sherloc (09022015). Collection method: clinical testing. Allele origin: germline.

Department of Pathology and Laboratory Medicine, Sinai Health System
Classification: Likely benign for Amelogenesis imperfecta type 1A; Junctional epidermolysis bullosa, non-Herlitz type; Junctional epidermolysis bullosa gravis of Herlitz. Last evaluated: 2021-07-30. Review status: criteria provided, single submitter. Criteria: ACMG Guidelines, 2015. Collection method: research. Allele origin: germline.

Illumina Laboratory Services, Illumina
Classification: Likely benign for Junctional epidermolysis bullosa. Last evaluated: 2018-01-12. Review status: criteria provided, single submitter. Criteria: ICSL Variant Classification Criteria 13 December 2019. Collection method: clinical testing. Allele origin: germline.
Comment: This variant was observed in the ICSL laboratory as part of a predisposition screen in an ostensibly healthy population. It had not been previously curated by ICSL or reported in the Human Gene Mutation Database (HGMD: prior to June 1st, 2018), and was therefore a candidate for classification through an automated scoring system. Utilizing variant allele frequency, disease prevalence and penetrance estimates, and inheritance mode, an automated score was calculated to assess if this variant is too frequent to cause the disease. Based on the score and internal cut-off values, a variant classified as likely benign is not then subjected to further curation. The score for this variant resulted in a classification of likely benign for this disease.

Breakthrough Genomics
Classification: Likely benign. Review status: criteria provided, single submitter. Criteria: ACMG Guidelines, 2015. Collection method: not provided. Allele origin: germline. Inheritance: Autosomal recessive inheritance. Affected: yes.

PreventionGenetics, part of Exact Sciences
Classification: Likely benign for LAMB3-related condition. Last evaluated: 2023-04-24. Review status: no assertion criteria provided. Collection method: clinical testing. Allele origin: germline. Not counted in ClinVar's aggregate classification.
Comment: This variant is classified as likely benign based on ACMG/AMP sequence variant interpretation guidelines (Richards et al. 2015 PMID: 25741868, with internal and published modifications).